The following is an entry in ClinVar:

GRCh38/hg38 16q24.1(chr16:85678498-86159925)x1

Genes: MIR1910 (microRNA 1910; minus strand), MIR6774 (microRNA 6774; plus strand), CLMB (calcimembrin; minus strand), COX4I1 (cytochrome c oxidase subunit 4I1; plus strand), EMC8 (ER membrane protein complex subunit 8; minus strand) and 53 more. Cytogenetic location: 16q24.1.
Variant type: copy number loss.
Change: copy number 1 (one copy instead of two) of chr16:85,678,498-86,159,925 (481.4 kb, GRCh38 coordinates, 1-based), cytogenetic band 16q24.1.
Identifiers: ClinVar variation 4796415 (VCV004796415.1).

ClinVar aggregate classification (germline): Uncertain significance (1 of 4 stars; one submission).

Submission:

Medical Genetic Center, Changzhi Maternal and Child Health Care Hospital
Classification: Uncertain significance. Last evaluated: 2025-12-10. Review status: criteria provided, single submitter. Criteria: ACMG/ClinGen CNV Guidelines, 2019. Collection method: clinical testing. Allele origin: unknown.
Comment: COX4I1 deletion cariire